The following is an entry in ClinVar:

NM_058216.3(RAD51C):c.1045A>G (p.Thr349Ala)

Gene: RAD51C (RAD51 paralog C; plus strand). Cytogenetic location: 17q22.
Variant type: single nucleotide variant.
Coding change: c.1045A>G on transcript NM_058216.3 (MANE Select); coding-DNA position 1045, A replaced by G.
Protein change: p.Thr349Ala; replaces threonine 349 with alanine.
Molecular consequence: missense variant. On other transcripts: non-coding transcript variant (1).
Genome position (GRCh38, 1-based): chr17:58,734,136, A>G. VCF-style: chr17-58734136-A-G. GRCh37 (hg19) VCF-style: chr17-56811497-A-G.
Other names: short protein forms T349A.
Identifiers: ClinVar variation 630890 (VCV000630890.20), dbSNP rs1567818564, ClinGen allele CA400365994.

ClinVar aggregate classification (germline): Conflicting classifications of pathogenicity. Review status: criteria provided, conflicting classifications (1 of 4 stars). 3 submissions from 3 submitters: Uncertain significance (2); Likely benign (1). Last evaluated 2025-11-25.

Conditions:
Hereditary cancer-predisposing syndrome. Also called: Hereditary Cancer Syndrome; Neoplastic Syndromes, Hereditary; Tumor predisposition; Hereditary neoplastic syndrome. Identifiers: Orphanet 140162, MedGen C0027672, MeSH D009386, MONDO:0015356.
Fanconi anemia complementation group O. Also called: RAD51C-Related Fanconi Anemia. Identifiers: Orphanet 84, MedGen C3150653, MONDO:0013248, OMIM 613390.

Allele frequency attached by ClinVar (database versions not stated): gnomAD exomes below 0.00001.
gnomAD v4.1: 1 of 1,613,454 alleles (0.000062%); highest among the groups gnomAD compares: Non-Finnish European, 0.000085%; no homozygotes.

Submissions (3):

Labcorp Genetics (formerly Invitae), Labcorp
Classification: Uncertain significance for Fanconi anemia complementation group O. Last evaluated: 2025-11-25. Review status: criteria provided, single submitter. Criteria: Invitae Variant Classification Sherloc (09022015). Collection method: clinical testing. Allele origin: germline.
Comment: This sequence change replaces threonine, which is neutral and polar, with alanine, which is neutral and non-polar, at codon 349 of the RAD51C protein (p.Thr349Ala). This variant is not present in population databases (gnomAD no frequency). This variant has not been reported in the literature in individuals affected with RAD51C-related conditions. ClinVar contains an entry for this variant (Variation ID: 630890). An algorithm developed to predict the effect of missense changes on protein structure and function outputs the following: PolyPhen-2: "Benign". The alanine amino acid residue is found in multiple mammalian species, which suggests that this missense change does not adversely affect protein function. In summary, the available evidence is currently insufficient to determine the role of this variant in disease. Therefore, it has been classified as a Variant of Uncertain Significance.

Color Diagnostics, LLC DBA Color Health
Classification: Uncertain significance for Hereditary cancer-predisposing syndrome. Last evaluated: 2023-12-05. Review status: criteria provided, single submitter. Criteria: ACMG Guidelines, 2015. Collection method: clinical testing. Allele origin: germline.
Comment: This missense variant replaces threonine with alanine at codon 349 of the RAD51C protein. Computational prediction suggests that this variant may not impact protein structure and function (internally defined REVEL score threshold <= 0.5, PMID: 27666373). To our knowledge, functional studies have not been reported for this variant. This variant has not been reported in individuals affected with RAD51C-related disorders in the literature. This variant has not been identified in the general population by the Genome Aggregation Database (gnomAD). The available evidence is insufficient to determine the role of this variant in disease conclusively. Therefore, this variant is classified as a Variant of Uncertain Significance.

Ambry Genetics
Classification: Likely benign for Hereditary cancer-predisposing syndrome. Last evaluated: 2019-03-16. Review status: criteria provided, single submitter. Criteria: Ambry Variant Classification Scheme 2023. Collection method: clinical testing. Allele origin: germline.